The following is an entry in ClinVar:

NM_177438.3(DICER1):c.3868C>T (p.Leu1290Phe)

Gene: DICER1 (dicer 1, ribonuclease III; minus strand). Cytogenetic location: 14q32.13.
Variant type: single nucleotide variant.
Coding change: c.3868C>T on transcript NM_177438.3 (MANE Select); coding-DNA position 3868, C replaced by T.
Protein change: p.Leu1290Phe; replaces leucine 1290 with phenylalanine.
Molecular consequence: missense variant.
Genome position (GRCh38, 1-based): chr14:95,103,528, G>A on the plus strand (C>T on the coding strand, the complement: DICER1 is on the minus strand). VCF-style: chr14-95103528-G-A. GRCh37 (hg19) VCF-style: chr14-95569865-G-A.
Other names: c.3868C>T, p.Leu1290Phe (NM_001195573.1, NM_001271282.3, NM_001291628.2 and 1 more transcripts); short protein forms L1290F.
Identifiers: ClinVar variation 412166 (VCV000412166.11), dbSNP rs1060503650, ClinGen allele CA16614186.

ClinVar aggregate classification (germline): Uncertain significance. Review status: criteria provided, multiple submitters, no conflicts (2 of 4 stars). 2 submissions from 2 submitters: Uncertain significance (2). Last evaluated 2024-07-15.

Conditions:
DICER1-related tumor predisposition. Also called: DICER1-related pleuropulmonary blastoma cancer predisposition syndrome; DICER1 syndrome. Identifiers: Orphanet 284343, MedGen C3839822, MONDO:0100216.

Submissions (2):

Labcorp Genetics (formerly Invitae), Labcorp
Classification: Uncertain significance for DICER1-related tumor predisposition. Last evaluated: 2024-07-15. Review status: criteria provided, single submitter. Criteria: Invitae Variant Classification Sherloc (09022015). Collection method: clinical testing. Allele origin: germline.
Comment: This sequence change replaces leucine, which is neutral and non-polar, with phenylalanine, which is neutral and non-polar, at codon 1290 of the DICER1 protein (p.Leu1290Phe). This variant is not present in population databases (gnomAD no frequency). This variant has not been reported in the literature in individuals affected with DICER1-related conditions. ClinVar contains an entry for this variant (Variation ID: 412166). Advanced modeling of protein sequence and biophysical properties (such as structural, functional, and spatial information, amino acid conservation, physicochemical variation, residue mobility, and thermodynamic stability) performed at Invitae indicates that this missense variant is not expected to disrupt DICER1 protein function with a negative predictive value of 80%. In summary, the available evidence is currently insufficient to determine the role of this variant in disease. Therefore, it has been classified as a Variant of Uncertain Significance.

Blueprint Genetics
Classification: Uncertain significance. Last evaluated: 2023-07-25. Review status: criteria provided, single submitter. Criteria: ACMG Guidelines, 2015. Collection method: clinical testing. Allele origin: germline.